The following is an entry in ClinVar:

ClinVar aggregate classification (germline): Uncertain significance. Review status: criteria provided, multiple submitters, no conflicts (2 of 4 stars). 3 submissions from 3 submitters: Uncertain significance (3). Last evaluated 2026-02-13.

Conditions:
Hereditary cancer-predisposing syndrome. Also called: Neoplastic Syndromes, Hereditary; Hereditary neoplastic syndrome; Tumor predisposition; Hereditary Cancer Syndrome. Identifiers: Orphanet 140162, MedGen C0027672, MeSH D009386, MONDO:0015356.
Tuberous sclerosis 2 (TSC2). Identifiers: Orphanet 805, MedGen C1860707, MONDO:0013199, OMIM 613254.

Submissions (3):

Ambry Genetics
Classification: Uncertain significance for Hereditary cancer-predisposing syndrome. Last evaluated: 2026-02-13. Review status: criteria provided, single submitter. Criteria: Ambry Variant Classification Scheme 2023. Collection method: clinical testing. Allele origin: germline.
Comment: The p.R978G variant (also known as c.2932C>G), located in coding exon 25 of the TSC2 gene, results from a C to G substitution at nucleotide position 2932. The arginine at codon 978 is replaced by glycine, an amino acid with dissimilar properties. This amino acid position is highly conserved in available vertebrate species. In addition, this alteration is predicted to be deleterious by in silico analysis. Based on the available evidence, the clinical significance of this variant remains unclear.

Labcorp Genetics (formerly Invitae), Labcorp
Classification: Uncertain significance for Tuberous sclerosis 2. Last evaluated: 2025-09-16. Review status: criteria provided, single submitter. Criteria: Invitae Variant Classification Sherloc (09022015). Collection method: clinical testing. Allele origin: germline.
Comment: This sequence change replaces arginine, which is basic and polar, with glycine, which is neutral and non-polar, at codon 978 of the TSC2 protein (p.Arg978Gly). This variant is not present in population databases (gnomAD no frequency). This variant has not been reported in the literature in individuals affected with TSC2-related conditions. ClinVar contains an entry for this variant (Variation ID: 649777). Invitae Evidence Modeling of protein sequence and biophysical properties (such as structural, functional, and spatial information, amino acid conservation, physicochemical variation, residue mobility, and thermodynamic stability) indicates that this missense variant is not expected to disrupt TSC2 protein function with a negative predictive value of 95%. In summary, the available evidence is currently insufficient to determine the role of this variant in disease. Therefore, it has been classified as a Variant of Uncertain Significance.

Genome-Nilou Lab
Classification: Uncertain significance for Tuberous sclerosis 2. Last evaluated: 2021-11-07. Review status: criteria provided, single submitter. Criteria: ACMG Guidelines, 2015. Collection method: clinical testing. Allele origin: germline. Affected: no.

NM_000548.5(TSC2):c.2932C>G (p.Arg978Gly)

Gene: TSC2 (TSC complex subunit 2; plus strand). Cytogenetic location: 16p13.3.
Variant type: single nucleotide variant.
Coding change: c.2932C>G on transcript NM_000548.5 (MANE Select); coding-DNA position 2932, C replaced by G.
Protein change: p.Arg978Gly; replaces arginine 978 with glycine.
Molecular consequence: missense variant. On other transcripts: intron variant (9).
Genome position (GRCh38, 1-based): chr16:2,077,692, C>G. VCF-style: chr16-2077692-C-G. GRCh37 (hg19) VCF-style: chr16-2127693-C-G.
Other names: c.2932C>G, p.Arg978Gly (NM_001114382.3); c.2837+1107C>G (NM_021055.3, NM_001370405.1, NM_001363528.2 and 2 more transcripts); c.2726+1107C>G (NM_001318827.2); c.2237+1107C>G (NM_001318831.2); c.2690+1107C>G (NM_001318829.2); c.2870+1107C>G (NM_001318832.2); short protein forms R978G.
Identifiers: ClinVar variation 649777 (VCV000649777.19), dbSNP rs768241596, ClinGen allele CA394281405.